The following is an entry in ClinVar:

ClinVar aggregate classification (germline): Pathogenic/Likely pathogenic. Review status: criteria provided, multiple submitters, no conflicts (2 of 4 stars). 2 submissions from 2 submitters: Pathogenic (1); Likely pathogenic (1). Last evaluated 2022-02-04.

Conditions:
Joubert syndrome 8 (JBTS8). Identifiers: Orphanet 475, MedGen C2676771, MONDO:0012855, OMIM 612291.

Submissions (2):

Labcorp Genetics (formerly Invitae), Labcorp
Classification: Likely pathogenic for Joubert syndrome 8. Last evaluated: 2022-02-04. Review status: criteria provided, single submitter. Criteria: Invitae Variant Classification Sherloc (09022015). Collection method: clinical testing. Allele origin: germline.
Comment: In summary, the currently available evidence indicates that the variant is pathogenic, but additional data are needed to prove that conclusively. Therefore, this variant has been classified as Likely Pathogenic. Algorithms developed to predict the effect of sequence changes on RNA splicing suggest that this variant may disrupt the consensus splice site. ClinVar contains an entry for this variant (Variation ID: 285657). This variant has not been reported in the literature in individuals affected with ARL13B-related conditions. This variant is not present in population databases (gnomAD no frequency). This sequence change affects an acceptor splice site in intron 2 of the ARL13B gene. It is expected to disrupt RNA splicing. Variants that disrupt the donor or acceptor splice site typically lead to a loss of protein function (PMID: 16199547), and loss-of-function variants in ARL13B are known to be pathogenic (PMID: 18674751).

Eurofins Ntd Llc (ga)
Classification: Pathogenic. Last evaluated: 2016-01-22. Review status: criteria provided, single submitter. Criteria: EGL Classification Definitions 2015. Collection method: clinical testing. Allele origin: germline. Observed: 1 variant allele, 1 heterozygote.

Literature cited by the submitters: PubMed 16199547 (cited by Labcorp Genetics (formerly Invitae), Labcorp); PubMed 18674751 (cited by Labcorp Genetics (formerly Invitae), Labcorp).

NM_001174150.2(ARL13B):c.131-1G>T

Gene: ARL13B (ARF like GTPase 13B; plus strand). Cytogenetic location: 3q11.2.
Variant type: single nucleotide variant.
Coding change: c.131-1G>T on transcript NM_001174150.2 (MANE Select); the canonical splice acceptor site of the intron before coding-DNA position 131, G replaced by T.
Molecular consequence: splice acceptor variant. On other transcripts: intron variant (1).
Genome position (GRCh38, 1-based): chr3:94,003,658, G>T. VCF-style: chr3-94003658-G-T. GRCh37 (hg19) VCF-style: chr3-93722502-G-T.
Other names: c.86-1G>T (NM_001321328.2); c.131-1G>T (NM_182896.3, NM_001410782.1); c.-179-1G>T (NM_001174151.2); c.59+23176G>T (NM_144996.4).
Identifiers: ClinVar variation 285657 (VCV000285657.9), dbSNP rs373604132, ClinGen allele CA10605194.